The following is an entry in ClinVar:

ClinVar aggregate classification (germline): Uncertain significance (1 of 4 stars; one submission).

Submission:

Ambry Genetics
Classification: Uncertain significance. Last evaluated: 2023-07-26. Review status: criteria provided, single submitter. Criteria: Ambry Variant Classification Scheme 2023. Collection method: clinical testing. Allele origin: germline.
Comment: The p.W840C variant (also known as c.2520G>T), located in coding exon 23 of the KIF1B gene, results from a G to T substitution at nucleotide position 2520. The tryptophan at codon 840 is replaced by cysteine, an amino acid with highly dissimilar properties. This amino acid position is conserved. In addition, this alteration is predicted to be deleterious by in silico analysis. Since supporting evidence is limited at this time, the clinical significance of this alteration remains unclear.

NM_001365951.3(KIF1B):c.2658G>T (p.Trp886Cys)

Gene: KIF1B (kinesin family member 1B; plus strand). Cytogenetic location: 1p36.22.
Variant type: single nucleotide variant.
Coding change: c.2658G>T on transcript NM_001365951.3 (MANE Select); coding-DNA position 2658, G replaced by T.
Protein change: p.Trp886Cys; replaces tryptophan 886 with cysteine.
Molecular consequence: missense variant.
Genome position (GRCh38, 1-based): chr1:10,324,878, G>T. VCF-style: chr1-10324878-G-T. GRCh37 (hg19) VCF-style: chr1-10384936-G-T.
Other names: c.2658G>T, p.Trp886Cys (NM_001365952.1); c.2520G>T, p.Trp840Cys (NM_015074.3); short protein forms W886C, W840C.
Identifiers: ClinVar variation 2625717 (VCV002625717.2), dbSNP rs2521630800, ClinGen allele CA338335818.